The following is an entry in ClinVar:

ClinVar aggregate classification (germline): Uncertain significance (1 of 4 stars; one submission).

Submission:

Labcorp Genetics (formerly Invitae), Labcorp
Classification: Uncertain significance. Last evaluated: 2021-06-12. Review status: criteria provided, single submitter. Criteria: Invitae Variant Classification Sherloc (09022015). Collection method: clinical testing. Allele origin: germline.
Comment: This sequence change replaces asparagine with serine at codon 1714 of the ALPK3 protein (p.Asn1714Ser). The asparagine residue is highly conserved and there is a small physicochemical difference between asparagine and serine. This variant is not present in population databases (ExAC no frequency). This variant has not been reported in the literature in individuals with ALPK3-related conditions. Algorithms developed to predict the effect of missense changes on protein structure and function are either unavailable or do not agree on the potential impact of this missense change (SIFT: "Deleterious"; PolyPhen-2: "Probably Damaging"; Align-GVGD: "Class C0"). In summary, the available evidence is currently insufficient to determine the role of this variant in disease. Therefore, it has been classified as a Variant of Uncertain Significance.

NM_020778.5(ALPK3):c.4535A>G (p.Asn1512Ser)

Gene: ALPK3 (alpha kinase 3; plus strand). Cytogenetic location: 15q25.3.
Variant type: single nucleotide variant.
Coding change: c.4535A>G on transcript NM_020778.5 (MANE Select); coding-DNA position 4535, A replaced by G.
Protein change: p.Asn1512Ser; replaces asparagine 1512 with serine.
Molecular consequence: missense variant.
Genome position (GRCh38, 1-based): chr15:84,864,477, A>G. VCF-style: chr15-84864477-A-G. GRCh37 (hg19) VCF-style: chr15-85407708-A-G.
Other names: short protein forms N1512S.
Identifiers: ClinVar variation 1359006 (VCV001359006.8), dbSNP rs2141573998, ClinGen allele CA393364805.
Genomic context (GRCh38, chr15:84,864,477, plus strand): 5'-TACTGCAGGGTGAAACTATGTTTAGGATCATCCCACTGTATCTGATCTACCGGCCTGCAA[A>G]CAATATCCCATATGCTACCCTGGAGGAAGACCTGGGCAAGCCCCTGGAGTCTTACTGTTC-3'
Protein context (NP_065829.4, residues 1502-1522): IPLYLIYRPA[Asn1512Ser]NIPYATLEED